The following is an entry in ClinVar:

NM_001145678.3(KIAA0825):c.2743_2754del (p.Gln915_Val918del)

Gene: KIAA0825 (KIAA0825; minus strand). Cytogenetic location: 5q15.
Variant type: Deletion.
Coding change: c.2743_2754del on transcript NM_001145678.3 (MANE Select); coding-DNA positions 2743 to 2754, 12 bases deleted (CAGCAGATAGTA).
Protein change: p.Gln915_Val918del.
Molecular consequence: inframe deletion. On other transcripts: non-coding transcript variant (1).
Genome position (GRCh38, 1-based): chr5:94,403,702-94,403,713, TACTATCTGCTG deleted on the plus strand (CAGCAGATAGTA on the coding strand, the reverse complement: KIAA0825 is on the minus strand); deleting any 12 consecutive bases within chr5:94,403,702-94,403,716 gives the same sequence; the c. name uses the placement nearest the transcript's 3' end. VCF-style (leftmost placement, unchanged base first): chr5-94403701-ATACTATCTGCTG-A. GRCh37 (hg19) VCF-style: chr5-93739406-ATACTATCTGCTG-A.
Other names: c.2758_2769del, p.Gln920_Val923del (NM_001385712.1, NM_001385713.1, NM_001388325.1).
Identifiers: ClinVar variation 3906257 (VCV003906257.1).

ClinVar aggregate classification (germline): Likely pathogenic (1 of 4 stars; one submission).

Conditions:
Postaxial polydactyly. Identifiers: MedGen C0220697, MONDO:0020927, HP:0100259.

Submission:

Center for Statistical Genetics, Columbia University
Classification: Likely pathogenic for Postaxial polydactyly. Review status: criteria provided, single submitter. Criteria: ACMG Guidelines, 2015. Collection method: research. Allele origin: germline. Inheritance: Autosomal recessive inheritance. Affected: yes. Observed: 2 variant alleles, 2 homozygotes.
Comment: The c.2743_2754del variant is an inframe deletion predicted to result in a change in the length of the protein. The variant was found to segregate in a family with autosomal recessive postaxial polydactyly. This variant was classified as likely pathogenic variant based on the ACMG/AMP criteria, using the evidences PP1-S, PM2, and PM4.